The following is an entry in ClinVar:

NM_002471.4(MYH6):c.5344G>A (p.Glu1782Lys)

Gene: MYH6 (myosin heavy chain 6; minus strand). Cytogenetic location: 14q11.2.
Variant type: single nucleotide variant.
Coding change: c.5344G>A on transcript NM_002471.4 (MANE Select); coding-DNA position 5344, G replaced by A.
Protein change: p.Glu1782Lys; replaces glutamic acid 1782 with lysine.
Molecular consequence: missense variant.
Genome position (GRCh38, 1-based): chr14:23,384,663, C>T on the plus strand (G>A on the coding strand, the complement: MYH6 is on the minus strand). VCF-style: chr14-23384663-C-T. GRCh37 (hg19) VCF-style: chr14-23853872-C-T.
Other names: short protein forms E1782K.
Identifiers: ClinVar variation 2644095 (VCV002644095.24), dbSNP rs780530605, ClinGen allele CA388985316.
Genomic context (GRCh38, chr14:23,384,663, plus strand): 5'-CCTCGTCCAGCCGGTGCTGCAGGTCCTTAATGGTCTGCTCCATGTTCTTCTTCATGCGCT[C>T]CAGGTGGGCGCTGGTGTCCTGCTCCTTCTTCAGCTCCTCTGCCATCATGGCGGCCTGTGT-3'
Protein context (NP_002462.2, residues 1772-1792): KKEQDTSAHL[Glu1782Lys]RMKKNMEQTI

ClinVar aggregate classification (germline): Uncertain significance (1 of 4 stars; one submission).

Submission:

CeGaT Center for Human Genetics Tuebingen
Classification: Uncertain significance. Last evaluated: 2023-09-01. Review status: criteria provided, single submitter. Criteria: CeGaT Center For Human Genetics Tuebingen Variant Classification Criteria Version 2. Collection method: clinical testing. Allele origin: germline. Affected: yes. Observed: 1 variant allele.
Comment: MYH6: PM2, PP3